The following is an entry in ClinVar:

NM_032242.4(PLXNA1):c.5232-9C>G

Gene: PLXNA1 (plexin A1; plus strand). Cytogenetic location: 3q21.3.
Variant type: single nucleotide variant.
Coding change: c.5232-9C>G on transcript NM_032242.4 (MANE Select); 9 bases into the intron before coding-DNA position 5232, C replaced by G.
Molecular consequence: intron variant.
Genome position (GRCh38, 1-based): chr3:127,032,378, C>G. VCF-style: chr3-127032378-C-G. GRCh37 (hg19) VCF-style: chr3-126751221-C-G.
Identifiers: ClinVar variation 4987240 (VCV004987240.1).
Genomic context (GRCh38, chr3:127,032,378, plus strand): 5'-GGGCCACAAGGTCACTGCTCAGGAGGGAGCAGAGGCCTATCTGAGCAGCGCCTGGACTCT[C>G]GCCTGCAGCCTGCCCCTGCGCTTCTGGGTGAACGTGATCAAGAACCCACAGTTTGTGTTC-3'

ClinVar aggregate classification (germline): Likely benign (1 of 4 stars; one submission).

Conditions:
PLXNA1-related disorder. Also called: PLXNA1-related condition.

gnomAD v4.1: 2 of 1,613,066 alleles (0.00012%); highest among the groups gnomAD compares: Admixed American, 0.0017%; no homozygotes.

Submission:

PreventionGenetics, part of Exact Sciences
Classification: Likely benign for PLXNA1-related condition. Last evaluated: 2025-02-06. Review status: criteria provided, single submitter. Criteria: ACMG Guidelines, 2015. Collection method: clinical testing. Allele origin: germline.
Comment: This variant is classified as likely benign based on ACMG/AMP sequence variant interpretation guidelines (Richards et al. 2015 PMID: 25741868, with internal and published modifications).